The following is an entry in ClinVar:

NM_001244189.2(KIAA0586):c.9+10T>C

Gene: KIAA0586 (KIAA0586; plus strand). Cytogenetic location: 14q23.1.
Variant type: single nucleotide variant.
Coding change: c.9+10T>C on transcript NM_001244189.2; 10 bases into the intron after coding-DNA position 9, T replaced by C.
Molecular consequence: intron variant.
Genome position (GRCh38, 1-based): chr14:58,427,647, T>C. VCF-style: chr14-58427647-T-C. GRCh37 (hg19) VCF-style: chr14-58894365-T-C.
Other names: c.-57+10T>C (NM_001244192.2, NM_001244191.2); c.-39+10T>C (NM_001244190.2).
Identifiers: ClinVar variation 3049176 (VCV003049176.2), dbSNP rs2542417354, ClinGen allele CA2625056446.
Genomic context (GRCh38, chr14:58,427,647, plus strand): 5'-AGGAATGGAAGAGCACCAGAGAGCGCTTAGCTTTCTGGTTGGATGTTTTGGGTGAGTTTC[T>C]TGGCGCGCATGCGTGTTGTGTCTCAAGGGCGGGTTTGAAGGGAAGTGGGTGTTGACCTGC-3'

ClinVar aggregate classification (germline): Uncertain significance (0 of 4 stars; one submission).

Conditions:
KIAA0586-related disorder. Also called: KIAA0586-related condition; KIAA0586- Related disorders.

Allele frequency attached by ClinVar (database versions not stated): gnomAD exomes below 0.00001.
gnomAD v4.1: 2 of 1,535,670 alleles (0.00013%); highest among the groups gnomAD compares: Non-Finnish European, 0.00017%; no homozygotes.

Submission:

PreventionGenetics, part of Exact Sciences
Classification: Uncertain significance for KIAA0586-related condition. Last evaluated: 2024-01-29. Review status: no assertion criteria provided. Collection method: clinical testing. Allele origin: germline.
Comment: The KIAA0586 c.9+10T>C variant is predicted to interfere with splicing. To our knowledge, this variant has not been reported in the literature or in a large population database, indicating this variant is rare. However, the use of computer prediction programs is not equivalent to functional evidence, and therefore the clinical significance of this variant is uncertain.